The following is an entry in ClinVar:

ClinVar aggregate classification (germline): Likely benign. Review status: criteria provided, single submitter (1 of 4 stars). 2 submissions from 2 submitters: Likely benign (1). 1 of the submissions does not count toward it. Last evaluated 2024-10-17.

Conditions:
GAS2L2-related disorder. Also called: GAS2L2-related condition.

Allele frequency attached by ClinVar (database versions not stated): ExAC 0.00110; gnomAD 0.00260; 1000 Genomes Project 0.00300; TOPMed 0.00316; 1000 Genomes Project 30x 0.00359; ESP Exome Variant Server 0.00361.

Submissions (2):

Blueprint Genetics
Classification: Likely benign. Last evaluated: 2024-10-17. Review status: criteria provided, single submitter. Criteria: ACMG Guidelines, 2015. Collection method: clinical testing. Allele origin: germline.

PreventionGenetics, part of Exact Sciences
Classification: Benign for GAS2L2-related condition. Last evaluated: 2020-01-16. Review status: no assertion criteria provided. Collection method: clinical testing. Allele origin: germline. Not counted in ClinVar's aggregate classification.
Comment: This variant is classified as benign based on ACMG/AMP sequence variant interpretation guidelines (Richards et al. 2015 PMID: 25741868, with internal and published modifications).

NM_139285.4(GAS2L2):c.1396G>A (p.Glu466Lys)

Gene: GAS2L2 (growth arrest specific 2 like 2; minus strand). Cytogenetic location: 17q12.
Variant type: single nucleotide variant.
Coding change: c.1396G>A on transcript NM_139285.4 (MANE Select); coding-DNA position 1396, G replaced by A.
Protein change: p.Glu466Lys; replaces glutamic acid 466 with lysine.
Molecular consequence: missense variant.
Genome position (GRCh38, 1-based): chr17:35,746,101, C>T on the plus strand (G>A on the coding strand, the complement: GAS2L2 is on the minus strand). VCF-style: chr17-35746101-C-T. GRCh37 (hg19) VCF-style: chr17-34073120-C-T.
Other names: short protein forms E466K.
Identifiers: ClinVar variation 3050351 (VCV003050351.3), dbSNP rs139624793, ClinGen allele CA8506077.